The following is an entry in ClinVar:

ClinVar aggregate classification (germline): Uncertain significance. Review status: criteria provided, multiple submitters, no conflicts (2 of 4 stars). 2 submissions from 2 submitters: Uncertain significance (2). Last evaluated 2023-08-25.

Conditions:
Hereditary cancer-predisposing syndrome. Also called: Neoplastic Syndromes, Hereditary; Hereditary Cancer Syndrome; Hereditary neoplastic syndrome; Tumor predisposition. Identifiers: Orphanet 140162, MedGen C0027672, MeSH D009386, MONDO:0015356.
Tumor predisposition syndrome 3 (TPDS3). Also called: Glioma susceptibility 9; LONG TELOMERE SYNDROME, POT1-RELATED; POT1 Tumor Predisposition; Melanoma, cutaneous malignant, susceptibility to, 10. Identifiers: Orphanet 618, MedGen C4014476, MONDO:0014368, OMIM 615848.

Submissions (2):

Labcorp Genetics (formerly Invitae), Labcorp
Classification: Uncertain significance for Tumor predisposition syndrome 3. Last evaluated: 2023-08-25. Review status: criteria provided, single submitter. Criteria: Invitae Variant Classification Sherloc (09022015). Collection method: clinical testing. Allele origin: germline.
Comment: This variant has not been reported in the literature in individuals affected with POT1-related conditions. This sequence change replaces methionine, which is neutral and non-polar, with valine, which is neutral and non-polar, at codon 585 of the POT1 protein (p.Met585Val). This variant is not present in population databases (gnomAD no frequency). ClinVar contains an entry for this variant (Variation ID: 999040). Advanced modeling of protein sequence and biophysical properties (such as structural, functional, and spatial information, amino acid conservation, physicochemical variation, residue mobility, and thermodynamic stability) performed at Invitae indicates that this missense variant is not expected to disrupt POT1 protein function. In summary, the available evidence is currently insufficient to determine the role of this variant in disease. Therefore, it has been classified as a Variant of Uncertain Significance.

Ambry Genetics
Classification: Uncertain significance for Hereditary cancer-predisposing syndrome. Last evaluated: 2022-08-29. Review status: criteria provided, single submitter. Criteria: Ambry Variant Classification Scheme 2023. Collection method: clinical testing. Allele origin: germline.
Comment: The p.M585V variant (also known as c.1753A>G), located in coding exon 14 of the POT1 gene, results from an A to G substitution at nucleotide position 1753. The methionine at codon 585 is replaced by valine, an amino acid with highly similar properties. This amino acid position is conserved. In addition, this alteration is predicted to be tolerated by in silico analysis. Since supporting evidence is limited at this time, the clinical significance of this alteration remains unclear.

NM_015450.3(POT1):c.1753A>G (p.Met585Val)

Gene: POT1 (protection of telomeres 1; minus strand). Cytogenetic location: 7q31.33.
Variant type: single nucleotide variant.
Coding change: c.1753A>G on transcript NM_015450.3 (MANE Select); coding-DNA position 1753, A replaced by G.
Protein change: p.Met585Val; replaces methionine 585 with valine.
Molecular consequence: missense variant. On other transcripts: non-coding transcript variant (3).
Genome position (GRCh38, 1-based): chr7:124,825,291, T>C on the plus strand (A>G on the coding strand, the complement: POT1 is on the minus strand). VCF-style: chr7-124825291-T-C. GRCh37 (hg19) VCF-style: chr7-124465345-T-C.
Other names: c.1360A>G, p.Met454Val (NM_001042594.2); short protein forms M454V, M585V.
Identifiers: ClinVar variation 999040 (VCV000999040.11), dbSNP rs1794602691, ClinGen allele CA369062263.